The following is an entry in ClinVar:

ClinVar aggregate classification (germline): Likely benign. Review status: criteria provided, multiple submitters, no conflicts (2 of 4 stars). 5 submissions from 5 submitters: Likely benign (4). 1 of the submissions does not count toward it. Last evaluated 2026-01-24.

Conditions:
Metachromatic leukodystrophy (MLD). Also called: ARSA DEFICIENCY; CEREBROSIDE SULFATASE DEFICIENCY; Cerebral sclerosis diffuse metachromatic form; Arylsulfatase A Deficiency; METACHROMATIC LEUKOENCEPHALOPATHY; SULFATIDE LIPIDOSIS. Identifiers: Orphanet 512, MedGen C0023522, MONDO:0018868, OMIM 250100.
Inborn genetic diseases. Identifiers: MedGen C0950123, MeSH D030342.
Sphingolipid activator protein 1 deficiency. Also called: Saposin B Deficiency; Metachromatic leukodystrophy due to saposin B deficiency; METACHROMATIC LEUKODYSTROPHY DUE TO CEREBROSIDE SULFATASE ACTIVATOR DEFICIENCY. Identifiers: Orphanet 512, MedGen C0268262, MONDO:0009590, OMIM 249900.

Allele frequency attached by ClinVar (database versions not stated): TOPMed 0.00006; ESP Exome Variant Server 0.00008; gnomAD 0.00008 and 0.00013; gnomAD exomes 0.00012 and 0.00017; ExAC 0.00025; 1000 Genomes Project 30x 0.00047; 1000 Genomes Project 0.00060.
gnomAD v4.1: 204 of 1,614,106 alleles (0.013%); highest among the groups gnomAD compares: South Asian, 0.13%; no homozygotes.

Submissions (5):

Labcorp Genetics (formerly Invitae), Labcorp
Classification: Likely benign for Sphingolipid activator protein 1 deficiency. Last evaluated: 2026-01-24. Review status: criteria provided, single submitter. Criteria: Invitae Variant Classification Sherloc (09022015). Collection method: clinical testing. Allele origin: germline.

CeGaT Center for Human Genetics Tuebingen
Classification: Likely benign. Last evaluated: 2025-11-01. Review status: criteria provided, single submitter. Criteria: CeGaT Center For Human Genetics Tuebingen Variant Classification Criteria Version 2. Collection method: clinical testing. Allele origin: germline. Affected: yes. Observed: 2 variant alleles.
Comment: PSAP: BP4, BP7

Ambry Genetics
Classification: Likely benign for Inborn genetic diseases. Last evaluated: 2024-07-22. Review status: criteria provided, single submitter. Criteria: Ambry Variant Classification Scheme 2023. Collection method: clinical testing. Allele origin: germline.

Blueprint Genetics
Classification: Likely benign. Last evaluated: 2023-11-27. Review status: criteria provided, single submitter. Criteria: ACMG Guidelines, 2015. Collection method: clinical testing. Allele origin: germline.

Natera, Inc.
Classification: Likely benign for Metachromatic leukodystrophy. Last evaluated: 2020-01-18. Review status: no assertion criteria provided. Collection method: clinical testing. Allele origin: germline. Not counted in ClinVar's aggregate classification.

NM_002778.4(PSAP):c.588C>T (p.Asp196=)

Gene: PSAP (prosaposin; minus strand). Cytogenetic location: 10q22.1.
Variant type: single nucleotide variant.
Coding change: c.588C>T on transcript NM_002778.4 (MANE Select); coding-DNA position 588, C replaced by T.
Protein change: p.Asp196=; no amino-acid change (aspartic acid 196 retained).
Molecular consequence: synonymous variant.
Genome position (GRCh38, 1-based): chr10:71,828,146, G>A on the plus strand (C>T on the coding strand, the complement: PSAP is on the minus strand). VCF-style: chr10-71828146-G-A. GRCh37 (hg19) VCF-style: chr10-73587903-G-A.
Other names: c.588C>T, p.Asp196= (NM_001042465.3, NM_001042466.3); c.588C>T (NM_002778.2).
Identifiers: ClinVar variation 748199 (VCV000748199.47), dbSNP rs374869360, ClinGen allele CA5547720.